The following is an entry in ClinVar:

ClinVar aggregate classification (germline): Uncertain significance. Review status: criteria provided, multiple submitters, no conflicts (2 of 4 stars). 2 submissions from 2 submitters: Uncertain significance (2). Last evaluated 2021-12-29.

Conditions:
Joubert syndrome. Also called: JOUBERT-BOLTSHAUSER SYNDROME; Familial aplasia of the vermis. Identifiers: Orphanet 475, MedGen C5979921, MONDO:0018772.
Meckel-Gruber syndrome. Also called: DYSENCEPHALIA SPLANCHNOCYSTICA; GRUBER SYNDROME; Dysencephalia splachnocystica. Identifiers: Orphanet 564, MedGen C0265215, MONDO:0018921.

Allele frequency attached by ClinVar (database versions not stated): gnomAD exomes below 0.00001; TOPMed below 0.00001.
gnomAD v4.1: 6 of 1,610,406 alleles (0.00037%); highest among the groups gnomAD compares: Non-Finnish European, 0.00051%; no homozygotes.

Submissions (2):

Labcorp Genetics (formerly Invitae), Labcorp
Classification: Uncertain significance for Joubert syndrome; Meckel-Gruber syndrome. Last evaluated: 2021-12-29. Review status: criteria provided, single submitter. Criteria: Invitae Variant Classification Sherloc (09022015). Collection method: clinical testing. Allele origin: germline.
Comment: In summary, the available evidence is currently insufficient to determine the role of this variant in disease. Therefore, it has been classified as a Variant of Uncertain Significance. Advanced modeling of protein sequence and biophysical properties (such as structural, functional, and spatial information, amino acid conservation, physicochemical variation, residue mobility, and thermodynamic stability) performed at Invitae indicates that this missense variant is not expected to disrupt CC2D2A protein function. ClinVar contains an entry for this variant (Variation ID: 1316050). This variant has not been reported in the literature in individuals affected with CC2D2A-related conditions. This variant is not present in population databases (gnomAD no frequency). This sequence change replaces alanine, which is neutral and non-polar, with threonine, which is neutral and polar, at codon 118 of the CC2D2A protein (p.Ala118Thr).

GeneDx
Classification: Uncertain significance. Last evaluated: 2019-12-27. Review status: criteria provided, single submitter. Criteria: GeneDx Variant Classification Process June 2021. Collection method: clinical testing. Allele origin: germline. Affected: yes.
Comment: Not observed in large population cohorts (Lek et al., 2016); In silico analysis, which includes protein predictors and evolutionary conservation, supports that this variant does not alter protein structure/function; Has not been previously published as pathogenic or benign to our knowledge

NM_001378615.1(CC2D2A):c.352G>A (p.Ala118Thr)

Genes: CC2D2A (coiled-coil and C2 domain containing 2A; plus strand), FBXL5 (F-box and leucine rich repeat protein 5; minus strand). Cytogenetic location: 4p15.32.
Variant type: single nucleotide variant.
Coding change: c.352G>A on transcript NM_001378615.1 (MANE Select); coding-DNA position 352, G replaced by A.
Protein change: p.Ala118Thr; replaces alanine 118 with threonine.
Molecular consequence: missense variant.
Genome position (GRCh38, 1-based): chr4:15,502,837, G>A. VCF-style: chr4-15502837-G-A. GRCh37 (hg19) VCF-style: chr4-15504460-G-A.
Other names: c.352G>A, p.Ala118Thr (NM_001080522.2); c.205G>A, p.Ala69Thr (NM_001378617.1); short protein forms A118T, A69T.
Identifiers: ClinVar variation 1316050 (VCV001316050.7), dbSNP rs1214212437, ClinGen allele CA356408273.